The following is an entry in ClinVar:

ClinVar aggregate classification (germline): Pathogenic/Likely pathogenic. Review status: criteria provided, multiple submitters, no conflicts (2 of 4 stars). 9 submissions from 9 submitters: Pathogenic (8); Likely pathogenic (1). Last evaluated 2025-10-12.

Conditions:
Adult hypophosphatasia. Identifiers: Orphanet 247676, Orphanet 436, MedGen C0268413, MONDO:1010154, OMIM 146300, MONDO:0007798.
Childhood hypophosphatasia. Identifiers: Orphanet 247667, Orphanet 436, MedGen C0220743, MONDO:1010168, OMIM 241510, MONDO:0009428.
Infantile hypophosphatasia. Identifiers: Orphanet 247651, Orphanet 436, MedGen C0268412, MONDO:1010169, OMIM 241500, MONDO:0009427.
ALPL-related disorder. Also called: ALPL-related disorders; ALPL-related condition.
Hypophosphatasia. Also called: Phosphoethanol-aminuria. Identifiers: Orphanet 436, MedGen C0020630, MeSH D007014, MONDO:0018570.

Submissions (9):

Labcorp Genetics (formerly Invitae), Labcorp
Classification: Pathogenic. Last evaluated: 2025-10-12. Review status: criteria provided, single submitter. Criteria: Invitae Variant Classification Sherloc (09022015). Collection method: clinical testing. Allele origin: germline.
Comment: This sequence change creates a premature translational stop signal (p.Arg391Valfs*12) in the ALPL gene. It is expected to result in an absent or disrupted protein product. Loss-of-function variants in ALPL are known to be pathogenic (PMID: 3174660, 10679946, 32973344, 33814268). This variant is present in population databases (rs779683021, gnomAD 0.005%). This premature translational stop signal has been observed in individual(s) with hypophosphatasia (PMID: 10094560). This variant is also known as 1172delC. ClinVar contains an entry for this variant (Variation ID: 632628). For these reasons, this variant has been classified as Pathogenic.

Genomenon, Inc
Classification: Pathogenic for Hypophosphatasia. Last evaluated: 2025-08-29. Review status: criteria provided, single submitter. Criteria: Genomenon Sequence Variant Interpretation Standards. Collection method: curation. Allele origin: germline. Affected: yes.
Comment: ALPL p.Arg391ValfsTer12 (c.1171del) is a frameshift variant that results in the production of a truncated protein which is predicted to undergo nonsense-mediated mRNA decay. This variant has been observed in at least one proband affected with hypophosphatasia (PMID:33579333;33814268;32973344;36361766;10094560). At least one functional study has demonstrated a substantial alteration in protein function relative to the wild-type (PMID:32160374). It is absent or not present at a significant frequency in gnomAD. In conclusion, we classify ALPL p.Arg391ValfsTer12 (c.1171del) as a pathogenic variant.

Blueprint Genetics
Classification: Pathogenic for ALPL-related disorders. Last evaluated: 2024-11-21. Review status: criteria provided, single submitter. Criteria: ACMG Guidelines, 2015. Collection method: clinical testing. Allele origin: germline. Affected: yes. Observed: 2 variant alleles.

Natera, Inc.
Classification: Pathogenic for Hypophosphatasia. Last evaluated: 2024-07-29. Review status: criteria provided, single submitter. Criteria: Natera Variant Classification Schema (03/2026). Collection method: clinical testing. Allele origin: germline.
Comment: The c.1171delC variant in ALPL is a frameshift variant predicted to shift the reading frame beginning at codon 391 and leads to a stop codon 12 codons downstream. This variant is expected to result in nonsense mediated decay, truncation, or a dysfunctional protein product. This variant is rare in the general population with a frequency below the threshold expected for the associated phenotype(s). This variant has been observed in one or more individuals affected with the associated recessive disease, as either homozygous or compound heterozygous with a second variant (PMID: 32160374, 33579333). Functional studies show that this variant may disrupt protein function (PMID: 32160374). Given the available evidence, this variant is classified as Pathogenic.

Baylor Genetics
Classification: Pathogenic for Adult hypophosphatasia. Last evaluated: 2023-09-19. Review status: criteria provided, single submitter. Criteria: ACMG Guidelines, 2015. Collection method: clinical testing. Allele origin: unknown.

Myriad Genetics, Inc.
Classification: Pathogenic for Hypophosphatasia. Last evaluated: 2021-11-08. Review status: criteria provided, single submitter. Criteria: Myriad Autosomal Dominant, Autosomal Recessive and X-Linked Classification Criteria (2023). Collection method: clinical testing. Allele origin: unknown.
Comment: NM_000478.4(ALPL):c.1171delC(R391Vfs*12) is a frameshifting truncation variant classified as pathogenic in the context of hypophosphatasia. R391Vfs*12 has been observed in cases with relevant disease (PMID: 32160374). Functional assessments of this variant are available in the literature (PMID: 32160374). R391Vfs*12 has been observed in population frequency databases (gnomAD: NFE 0.005%). In summary, NM_000478.4(ALPL):c.1171delC(R391Vfs*12) is a frameshifting truncation variant in a gene where loss of function is a known mechanism of disease, is predicted to disrupt protein function, and has been observed more frequently in cases with the relevant disease than in healthy populations. Please note: this variant was assessed in the context of healthy population screening.

Fulgent Genetics
Classification: Pathogenic for Adult hypophosphatasia; Infantile hypophosphatasia; Childhood hypophosphatasia. Last evaluated: 2021-06-30. Review status: criteria provided, single submitter. Criteria: ACMG Guidelines, 2015. Collection method: clinical testing. Allele origin: unknown.
Comment: This variant has been detected in individual(s) who were sent for testing of Renasight - kidney gene panel.

Women's Health and Genetics/Laboratory Corporation of America, LabCorp
Classification: Likely pathogenic for Hypophosphatasia. Last evaluated: 2018-08-09. Review status: criteria provided, single submitter. Criteria: LabCorp Variant Classification Summary - May 2015. Collection method: clinical testing. Allele origin: germline.
Comment: Variant summary: ALPL c.1171delC (p.Arg391ValfsX12) results in a premature termination codon, predicted to cause a truncation of the encoded protein or absence of the protein due to nonsense mediated decay, which are commonly known mechanisms for disease. The variant allele was found at a frequency of 2.4e-05 in 246250 control chromosomes (gnomAD). The variant, c.1171delC, has been reported in the literature in individuals affected with Hypophosphatasia (McKiernan_2017, Taillandier_1998). These data suggest the variant may be associated with Hypophosphatasia. To our knowledge, no experimental evidence demonstrating an impact on protein function has been reported. No clinical diagnostic laboratories have submitted clinical-significance assessments for this variant to ClinVar after 2014. Based on the evidence outlined above, the variant was classified as likely pathogenic.

Clinical Biomedical Laboratory, Shriners Hospital For Children - Canada
Classification: Pathogenic for Adult hypophosphatasia. Review status: criteria provided, single submitter. Criteria: ACMG Guidelines, 2015. Collection method: clinical testing. Allele origin: germline. Affected: yes.
Comment: This variant is predicted to substitute an arginine residue by a valine residue and introduce a stop codon 12 amino acids downstream. This is expected to lead to degradation of the affected transcript and loss of function of the affected allele. Heterozygous loss of function variants in ALPL are associated with very mild hypophosphatasia, which corresponds to a clinical diagnosis of the proband. This variant is rare in the Genome Aggregation Database (v2.1.1.).. This variant has been reported in several publications (e.g., PMID 32973344). Based on the ACMG variant interpretation guidelines (criteria: PVS1, PS4, PM2), the available evidence supports classification of this variant as pathogenic.

Literature cited by the submitters: PubMed 3174660 (cited by Labcorp Genetics (formerly Invitae), Labcorp); PubMed 10679946 (cited by Labcorp Genetics (formerly Invitae), Labcorp); PubMed 32973344 (cited by Labcorp Genetics (formerly Invitae), Labcorp and Genomenon, Inc); PubMed 33814268 (cited by Labcorp Genetics (formerly Invitae), Labcorp and Genomenon, Inc); PubMed 10094560 (cited by 3 submitters); PubMed 33579333 (cited by Genomenon, Inc and Natera, Inc.); PubMed 36361766 (cited by Genomenon, Inc); PubMed 32160374 (cited by 3 submitters); PubMed 28401263 (cited by Women's Health and Genetics/Laboratory Corporation of America, LabCorp).

NM_000478.6(ALPL):c.1171del (p.Arg391fs)

Gene: ALPL (alkaline phosphatase, biomineralization associated; plus strand). Cytogenetic location: 1p36.12.
Variant type: Deletion.
Coding change: c.1171del on transcript NM_000478.6 (MANE Select); coding-DNA position 1171, one base deleted (C; older notation c.1171delC).
Protein change: p.Arg391fs; shifts the reading frame from arginine 391.
Molecular consequence: frameshift variant.
Genome position (GRCh38, 1-based): chr1:21,575,906, C deleted; the last of 6 consecutive C bases (chr1:21,575,901-21,575,906); deleting any one gives the same sequence. VCF-style (leftmost placement, unchanged base first): chr1-21575900-AC-A. GRCh37 (hg19) VCF-style: chr1-21902393-AC-A.
Other names: c.1171delC (NM_000478.5, NM_000478.6); c.1006del, p.Arg336fs (NM_001127501.4); c.940del, p.Arg314fs (NM_001177520.3); c.1171del, p.Arg391fs (NM_001369803.2, NM_001369804.2, NM_001369805.2); short protein forms R314fs, R391fs, R336fs.
Identifiers: ClinVar variation 632628 (VCV000632628.24), dbSNP rs751404811, ClinGen allele CA666742.